The following is an entry in ClinVar:

ClinVar aggregate classification (germline): Uncertain significance (1 of 4 stars; one submission).

Conditions:
Autosomal dominant childhood-onset proximal spinal muscular atrophy with contractures (SMALED2A). Also called: Spinal muscular atrophy, lower extremity-predominant, 2A, autosomal dominant; SPINAL MUSCULAR ATROPHY, LOWER EXTREMITY-PREDOMINANT, 2A, CHILDHOOD ONSET, AUTOSOMAL DOMINANT. Identifiers: Orphanet 363447, Orphanet 363454, MedGen C4747715, MONDO:0014121, OMIM 615290.

Allele frequency attached by ClinVar (database versions not stated): gnomAD 0.00001; gnomAD exomes 0.00001; ExAC 0.00009; 1000 Genomes Project 30x 0.00016; 1000 Genomes Project 0.00020.
gnomAD v4.1: 15 of 1,568,190 alleles (0.00096%); highest among the groups gnomAD compares: South Asian, 0.01%; no homozygotes.

Submission:

Labcorp Genetics (formerly Invitae), Labcorp
Classification: Uncertain significance for Autosomal dominant childhood-onset proximal spinal muscular atrophy with contractures. Last evaluated: 2024-04-04. Review status: criteria provided, single submitter. Criteria: Invitae Variant Classification Sherloc (09022015). Collection method: clinical testing. Allele origin: germline.
Comment: This sequence change replaces alanine, which is neutral and non-polar, with valine, which is neutral and non-polar, at codon 3 of the BICD2 protein (p.Ala3Val). The frequency data for this variant in the population databases is considered unreliable, as metrics indicate poor data quality at this position in the gnomAD database. This variant has not been reported in the literature in individuals affected with BICD2-related conditions. ClinVar contains an entry for this variant (Variation ID: 1988529). Advanced modeling of protein sequence and biophysical properties (such as structural, functional, and spatial information, amino acid conservation, physicochemical variation, residue mobility, and thermodynamic stability) performed at Invitae indicates that this missense variant is not expected to disrupt BICD2 protein function with a negative predictive value of 95%. In summary, the available evidence is currently insufficient to determine the role of this variant in disease. Therefore, it has been classified as a Variant of Uncertain Significance.

NM_001003800.2(BICD2):c.8C>T (p.Ala3Val)

Gene: BICD2 (BICD cargo adaptor 2; minus strand). Cytogenetic location: 9q22.31.
Variant type: single nucleotide variant.
Coding change: c.8C>T on transcript NM_001003800.2 (MANE Select); coding-DNA position 8, C replaced by T.
Protein change: p.Ala3Val; replaces alanine 3 with valine.
Molecular consequence: missense variant.
Genome position (GRCh38, 1-based): chr9:92,764,737, G>A on the plus strand (C>T on the coding strand, the complement: BICD2 is on the minus strand). VCF-style: chr9-92764737-G-A. GRCh37 (hg19) VCF-style: chr9-95527019-G-A.
Other names: c.8C>T, p.Ala3Val (NM_015250.4); short protein forms A3V.
Identifiers: ClinVar variation 1988529 (VCV001988529.4), dbSNP rs528422760, ClinGen allele CA5126898.